The following is an entry in ClinVar:

ClinVar aggregate classification (germline): Benign (0 of 4 stars; one submission).

Conditions:
CNTNAP5-related disorder. Also called: CNTNAP5-related condition.

Allele frequency attached by ClinVar (database versions not stated): TOPMed 0.00004; gnomAD exomes 0.00042; ExAC 0.00097; 1000 Genomes Project 30x 0.00156; 1000 Genomes Project 0.00180.
gnomAD v4.1: 660 of 1,613,832 alleles (0.041%); highest among the groups gnomAD compares: South Asian, 0.69%; 10 homozygotes.

Submission:

PreventionGenetics, part of Exact Sciences
Classification: Benign for CNTNAP5-related condition. Last evaluated: 2020-01-02. Review status: no assertion criteria provided. Collection method: clinical testing. Allele origin: germline.
Comment: This variant is classified as benign based on ACMG/AMP sequence variant interpretation guidelines (Richards et al. 2015 PMID: 25741868, with internal and published modifications).

NM_001367498.1(CNTNAP5):c.1776C>T (p.Cys592=)

Gene: CNTNAP5 (contactin associated protein family member 5; plus strand). Cytogenetic location: 2q14.3.
Variant type: single nucleotide variant.
Coding change: c.1776C>T on transcript NM_001367498.1 (MANE Select); coding-DNA position 1776, C replaced by T.
Protein change: p.Cys592=; no amino-acid change (cysteine 592 retained).
Molecular consequence: synonymous variant.
Genome position (GRCh38, 1-based): chr2:124,609,820, C>T. VCF-style: chr2-124609820-C-T. GRCh37 (hg19) VCF-style: chr2-125367397-C-T.
Other names: c.1773C>T, p.Cys591= (NM_130773.4).
Identifiers: ClinVar variation 3045724 (VCV003045724.2), dbSNP rs567929192, ClinGen allele CA1855983.